The following is an entry in ClinVar:

NM_000322.5(PRPH2):c.668T>A (p.Ile223Asn)

Gene: PRPH2 (peripherin 2; minus strand). Cytogenetic location: 6p21.1.
Variant type: single nucleotide variant.
Coding change: c.668T>A on transcript NM_000322.5 (MANE Select); coding-DNA position 668, T replaced by A.
Protein change: p.Ile223Asn; replaces isoleucine 223 with asparagine.
Molecular consequence: missense variant.
Genome position (GRCh38, 1-based): chr6:42,704,525, A>T on the plus strand (T>A on the coding strand, the complement: PRPH2 is on the minus strand). VCF-style: chr6-42704525-A-T. GRCh37 (hg19) VCF-style: chr6-42672263-A-T.
Other names: short protein forms I223N.
Identifiers: ClinVar variation 1175229 (VCV001175229.2), dbSNP rs1800114220, ClinGen allele CA364135427.

ClinVar aggregate classification (germline): Likely pathogenic. Review status: criteria provided, single submitter (1 of 4 stars). 2 submissions from 2 submitters: Likely pathogenic (1). 1 of the submissions does not count toward it. Last evaluated 2024-04-03.

Conditions:
PRPH2-related disorder. Also called: PRPH2-related condition; PRPH2-related disorders. Identifiers: MedGen CN239395.

Submissions (2):

Blueprint Genetics
Classification: Likely pathogenic for PRPH2-related disorders. Last evaluated: 2024-04-03. Review status: criteria provided, single submitter. Criteria: ACMG Guidelines, 2015. Collection method: clinical testing. Allele origin: germline. Affected: yes. Observed: 1 variant allele.

Leiden Open Variation Database
Classification: Likely pathogenic. Last evaluated: 2020-06-19. Review status: no assertion criteria provided. Collection method: curation. Allele origin: germline. Affected: yes. Not counted in ClinVar's aggregate classification.
Comment: Curator: Global Variome, with Curator vacancy. Submitter to LOVD: Emiliano Giardina.

Literature cited by the submitters: PubMed 31614793 (cited by Leiden Open Variation Database).